The following is an entry in ClinVar:

NM_152564.5(VPS13B):c.3262C>G (p.Pro1088Ala)

Gene: VPS13B (vacuolar protein sorting 13 homolog B; plus strand). Cytogenetic location: 8q22.2.
Variant type: single nucleotide variant.
Coding change: c.3262C>G on transcript NM_152564.5 (MANE Select); coding-DNA position 3262, C replaced by G.
Protein change: p.Pro1088Ala; replaces proline 1088 with alanine.
Molecular consequence: missense variant.
Genome position (GRCh38, 1-based): chr8:99,442,452, C>G. VCF-style: chr8-99442452-C-G. GRCh37 (hg19) VCF-style: chr8-100454680-C-G.
Other names: c.3262C>G (NM_017890.3); c.3262C>G, p.Pro1088Ala (NM_017890.5); short protein forms P1088A.
Identifiers: ClinVar variation 262660 (VCV000262660.14), dbSNP rs373965494, ClinGen allele CA4823214.

ClinVar aggregate classification (germline): Uncertain significance. Review status: criteria provided, multiple submitters, no conflicts (2 of 4 stars). 5 submissions from 5 submitters: Uncertain significance (4). 1 of the submissions does not count toward it. Last evaluated 2026-05-22.

Conditions:
VPS13B-related disorder. Also called: VPS13B-related condition.
Inborn genetic diseases. Identifiers: MedGen C0950123, MeSH D030342.
Cohen syndrome (COH1). Also called: PEPPER SYNDROME; Cutis verticis gyrata, retinitis pigmentosa, and sensorineural deafness. Identifiers: Orphanet 193, MedGen C0265223, MONDO:0008999, OMIM 216550.

Allele frequency attached by ClinVar (database versions not stated): gnomAD exomes 0.00002 and 0.00005; TOPMed 0.00002; ExAC 0.00004; gnomAD 0.00004; ESP Exome Variant Server 0.00008.
gnomAD v4.1: 42 of 1,613,744 alleles (0.0026%); highest among the groups gnomAD compares: Middle Eastern, 0.016%; no homozygotes.

Submissions (5):

PreventionGenetics, part of Exact Sciences
Classification: Uncertain significance for VPS13B-related condition. Last evaluated: 2026-05-22. Review status: criteria provided, single submitter. Criteria: ACMG Guidelines, 2015. Collection method: clinical testing. Allele origin: germline.
Comment: The VPS13B c.3262C>G variant is predicted to result in the amino acid substitution p.Pro1088Ala. To our knowledge, this variant has not been reported in the literature. This variant is reported in 0.0088% of alleles in individuals of European (Non-Finnish) descent in gnomAD. At this time, the clinical significance of this variant is uncertain due to the absence of conclusive functional and genetic evidence.

Ambry Genetics
Classification: Uncertain significance for Inborn genetic diseases. Last evaluated: 2026-04-27. Review status: criteria provided, single submitter. Criteria: Ambry Variant Classification Scheme 2023. Collection method: clinical testing. Allele origin: germline.
Comment: The c.3262C>G (p.P1088A) alteration is located in exon 23 (coding exon 22) of the VPS13B gene. This alteration results from a C to G substitution at nucleotide position 3262, causing the proline (P) at amino acid position 1088 to be replaced by an alanine (A). Based on data from gnomAD, the G allele has an overall frequency of 0.005% (12/251284) total alleles studied. The highest observed frequency was 0.016% (1/6130) of Other alleles. Based on insufficient or conflicting evidence, the clinical significance of this alteration remains unclear.

Labcorp Genetics (formerly Invitae), Labcorp
Classification: Uncertain significance for Cohen syndrome. Last evaluated: 2024-07-19. Review status: criteria provided, single submitter. Criteria: Invitae Variant Classification Sherloc (09022015). Collection method: clinical testing. Allele origin: germline.
Comment: This sequence change replaces proline, which is neutral and non-polar, with alanine, which is neutral and non-polar, at codon 1088 of the VPS13B protein (p.Pro1088Ala). This variant is present in population databases (rs373965494, gnomAD 0.01%). This variant has not been reported in the literature in individuals affected with VPS13B-related conditions. ClinVar contains an entry for this variant (Variation ID: 262660). Advanced modeling of protein sequence and biophysical properties (such as structural, functional, and spatial information, amino acid conservation, physicochemical variation, residue mobility, and thermodynamic stability) performed at Invitae indicates that this missense variant is expected to disrupt VPS13B protein function with a positive predictive value of 80%. In summary, the available evidence is currently insufficient to determine the role of this variant in disease. Therefore, it has been classified as a Variant of Uncertain Significance.

Centre for Mendelian Genomics, University Medical Centre Ljubljana
Classification: Uncertain significance for Cohen syndrome. Last evaluated: 2019-02-20. Review status: criteria provided, single submitter. Criteria: ACMG Guidelines, 2015. Collection method: clinical testing. Allele origin: unknown. Affected: yes.
Comment: This variant was classified as: Uncertain significance. The available evidence favors the pathogenic nature of this variant, however the currently available data is insufficient to conclusively support its pathogenic nature. Thus this variant is classified as Uncertain significance - favor pathogenic. The following ACMG criteria were applied in classifying this variant: PM2,BP1.

Natera, Inc.
Classification: Uncertain significance for Cohen syndrome. Last evaluated: 2020-03-04. Review status: no assertion criteria provided. Collection method: clinical testing. Allele origin: germline. Not counted in ClinVar's aggregate classification.